The following is an entry in ClinVar:

NM_000202.8(IDS):c.657C>A (p.Phe219Leu)

Genes: IDS (iduronate 2-sulfatase; minus strand), LOC106050102 (IDS recombination region; plus strand). Cytogenetic location: Xq28.
Variant type: single nucleotide variant.
Coding change: c.657C>A on transcript NM_000202.8 (MANE Select); coding-DNA position 657, C replaced by A.
Protein change: p.Phe219Leu; replaces phenylalanine 219 with leucine.
Molecular consequence: missense variant. On other transcripts: non-coding transcript variant (1).
Genome position (GRCh38, 1-based): chrX:149,498,158, G>T on the plus strand (C>A on the coding strand, the complement: IDS is on the minus strand). VCF-style: chrX-149498158-G-T. GRCh37 (hg19) VCF-style: chrX-148579689-G-T.
Other names: c.387C>A, p.Phe129Leu (NM_001166550.4); c.657C>A, p.Phe219Leu (NM_006123.5); short protein forms F129L, F219L.
Identifiers: ClinVar variation 1754276 (VCV001754276.2), dbSNP rs2520862990, ClinGen allele CA414522239.

ClinVar aggregate classification (germline): Uncertain significance (1 of 4 stars; one submission).

Conditions:
Inborn genetic diseases. Identifiers: MedGen C0950123, MeSH D030342.

Submission:

Ambry Genetics
Classification: Uncertain significance for Inborn genetic diseases. Last evaluated: 2022-06-02. Review status: criteria provided, single submitter. Criteria: Ambry Variant Classification Scheme 2023. Collection method: clinical testing. Allele origin: germline.
Comment: The p.F219L variant (also known as c.657C>A), located in coding exon 5 of the IDS gene, results from a C to A substitution at nucleotide position 657. The phenylalanine at codon 219 is replaced by leucine, an amino acid with highly similar properties. This amino acid position is conserved. In addition, this alteration is predicted to be deleterious by in silico analysis. Since supporting evidence is limited at this time, the clinical significance of this alteration remains unclear.